The following is an entry in ClinVar:

NM_000245.4(MET):c.3427C>T (p.Leu1143=)

Gene: MET (MET proto-oncogene, receptor tyrosine kinase; plus strand). Cytogenetic location: 7q31.2.
Variant type: single nucleotide variant.
Coding change: c.3427C>T on transcript NM_000245.4 (MANE Select); coding-DNA position 3427, C replaced by T.
Protein change: p.Leu1143=; no amino-acid change (leucine 1143 retained).
Molecular consequence: synonymous variant.
Genome position (GRCh38, 1-based): chr7:116,778,862, C>T. VCF-style: chr7-116778862-C-T. GRCh37 (hg19) VCF-style: chr7-116418916-C-T.
Other names: c.3481C>T (LRG_662t1); c.3481C>T, p.Leu1161= (NM_001127500.3); c.2137C>T, p.Leu713= (NM_001324402.2).
Identifiers: ClinVar variation 524903 (VCV000524903.22), dbSNP rs774334135, ClinGen allele CA4448722.

ClinVar aggregate classification (germline): Benign/Likely benign. Review status: criteria provided, multiple submitters, no conflicts (2 of 4 stars). 4 submissions from 4 submitters: Benign (2); Likely benign (2). Last evaluated 2026-01-27.

Conditions:
Papillary renal cell carcinoma type 1 (RCCP1). Also called: Renal adenocarcinoma; Renal cell carcinoma 1; Renal cell carcinoma, somatic; RENAL CELL CARCINOMA, PAPILLARY, 1, SOMATIC. Identifiers: Orphanet 47044, MedGen C1336839, OMIM 605074, HP:0011797.
Renal cell carcinoma. Identifiers: Orphanet 217071, MedGen C0007134, MeSH D002292, MONDO:0005086, HP:0005584.
Hereditary cancer-predisposing syndrome. Also called: Neoplastic Syndromes, Hereditary; Hereditary Cancer Syndrome; Tumor predisposition; Hereditary neoplastic syndrome. Identifiers: Orphanet 140162, MedGen C0027672, MeSH D009386, MONDO:0015356.

Allele frequency attached by ClinVar (database versions not stated): gnomAD 0.00001; gnomAD exomes 0.00008 and 0.00017; TOPMed 0.00008; ExAC 0.00019.
gnomAD v4.1: 50 of 1,613,942 alleles (0.0031%); highest among the groups gnomAD compares: Admixed American, 0.083%; no homozygotes.

Submissions (4):

Labcorp Genetics (formerly Invitae), Labcorp
Classification: Benign for Renal cell carcinoma. Last evaluated: 2026-01-27. Review status: criteria provided, single submitter. Criteria: Invitae Variant Classification Sherloc (09022015). Collection method: clinical testing. Allele origin: germline.

CeGaT Center for Human Genetics Tuebingen
Classification: Likely benign. Last evaluated: 2025-12-01. Review status: criteria provided, single submitter. Criteria: CeGaT Center For Human Genetics Tuebingen Variant Classification Criteria Version 2. Collection method: clinical testing. Allele origin: germline. Affected: yes. Observed: 1 variant allele.
Comment: MET: BP4, BP7

Myriad Genetics, Inc.
Classification: Benign for Papillary renal cell carcinoma type 1. Last evaluated: 2024-11-13. Review status: criteria provided, single submitter. Criteria: Myriad Autosomal Dominant, Autosomal Recessive and X-Linked Classification Criteria (2023). Collection method: clinical testing. Allele origin: unknown.
Comment: This variant is considered benign. This variant is a silent/synonymous amino acid change and it is not expected to impact splicing.

Ambry Genetics
Classification: Likely benign for Hereditary cancer-predisposing syndrome. Last evaluated: 2017-11-21. Review status: criteria provided, single submitter. Criteria: Ambry Variant Classification Scheme 2023. Collection method: clinical testing. Allele origin: germline.